The following is an entry in ClinVar:

ClinVar aggregate classification (germline): Pathogenic (1 of 4 stars; one submission).

Conditions:
Inborn genetic diseases. Identifiers: MedGen C0950123, MeSH D030342.

Submission:

Ambry Genetics
Classification: Pathogenic for Inborn genetic diseases. Last evaluated: 2025-01-07. Review status: criteria provided, single submitter. Criteria: Ambry Variant Classification Scheme 2023. Collection method: clinical testing. Allele origin: germline.
Comment: The c.2830C>T (p.Q944*) alteration, located in exon 15 (coding exon 14) of the SIN3A gene, consists of a C to T substitution at nucleotide position 2830. This changes the amino acid from a glutamine (Q) to a stop codon at amino acid position 944. This alteration is expected to result in loss of function by premature protein truncation or nonsense-mediated mRNA decay. This variant was not reported in population-based cohorts in the Genome Aggregation Database (gnomAD). Based on the available evidence, this alteration is classified as pathogenic.

NM_001145358.2(SIN3A):c.2830C>T (p.Gln944Ter)

Gene: SIN3A (SIN3 transcription regulator family member A; minus strand). Cytogenetic location: 15q24.2.
Variant type: single nucleotide variant.
Coding change: c.2830C>T on transcript NM_001145358.2 (MANE Select); coding-DNA position 2830, C replaced by T.
Protein change: p.Gln944Ter; replaces glutamine 944 with a stop codon.
Molecular consequence: nonsense.
Genome position (GRCh38, 1-based): chr15:75,392,263, G>A on the plus strand (C>T on the coding strand, the complement: SIN3A is on the minus strand). VCF-style: chr15-75392263-G-A. GRCh37 (hg19) VCF-style: chr15-75684604-G-A.
Other names: c.2830C>T, p.Gln944Ter (NM_001145357.2, NM_015477.3); short protein forms Q944*.
Identifiers: ClinVar variation 3796046 (VCV003796046.1).
Genomic context (GRCh38, chr15:75,392,263, plus strand): 5'-CTCACACATCCTCTGTAAATCAGAGGTCTCGGCACTCACTAGGTTCTTTGAGACGTAGCT[G>A]AATGGCAGGGCTGTCACTCTTGTCTCGCTTTATGCCCAGCACTTCCCGTTCCCATTCTCT-3'